The following is an entry in ClinVar:

ClinVar aggregate classification (germline): Conflicting classifications of pathogenicity. Review status: criteria provided, conflicting classifications (1 of 4 stars). 2 submissions from 2 submitters: Uncertain significance (1); Likely benign (1). Last evaluated 2023-04-04.

Allele frequency attached by ClinVar (database versions not stated): 1000 Genomes Project 0.00020; 1000 Genomes Project 30x 0.00031; ExAC 0.00122; gnomAD 0.00129.

Submissions (2):

Ambry Genetics
Classification: Uncertain significance. Last evaluated: 2023-04-04. Review status: criteria provided, single submitter. Criteria: Ambry Variant Classification Scheme 2023. Collection method: clinical testing. Allele origin: germline.

CeGaT Center for Human Genetics Tuebingen
Classification: Likely benign. Last evaluated: 2023-04-01. Review status: criteria provided, single submitter. Criteria: CeGaT Center For Human Genetics Tuebingen Variant Classification Criteria Version 2. Collection method: clinical testing. Allele origin: germline. Affected: yes. Observed: 2 variant alleles.
Comment: CTAGE4: BP4, BS2

NM_198495.3(CTAGE4):c.2038T>G (p.Ser680Ala)

Gene: CTAGE4 (CTAGE family member 4; plus strand). Cytogenetic location: 7q35.
Variant type: single nucleotide variant.
Coding change: c.2038T>G on transcript NM_198495.3 (MANE Select); coding-DNA position 2038, T replaced by G.
Protein change: p.Ser680Ala; replaces serine 680 with alanine.
Molecular consequence: missense variant.
Genome position (GRCh38, 1-based): chr7:144,185,541, T>G. VCF-style: chr7-144185541-T-G. GRCh37 (hg19) VCF-style: chr7-143882634-T-G.
Other names: short protein forms S680A.
Identifiers: ClinVar variation 2558585 (VCV002558585.26), dbSNP rs201626478, ClinGen allele CA4543104.